The following is an entry in ClinVar:

ClinVar aggregate classification (germline): Uncertain significance (1 of 4 stars; one submission).

Conditions:
Autosomal recessive limb-girdle muscular dystrophy type 2D (LGMDR3). Also called: ADHALINOPATHY, PRIMARY; MUSCULAR DYSTROPHY, LIMB-GIRDLE, AUTOSOMAL RECESSIVE 3; DUCHENNE-LIKE AUTOSOMAL RECESSIVE MUSCULAR DYSTROPHY, TYPE 2. Identifiers: Orphanet 62, MedGen C2936332, MONDO:0011968, OMIM 608099. Disease mechanism: Affects gamma-sarcoglycan and also disrupts the integrity of the entire sarcoglycan complex..

Allele frequency attached by ClinVar (database versions not stated): gnomAD exomes below 0.00001; gnomAD 0.00001.
gnomAD v4.1: 2 of 1,612,928 alleles (0.00012%); highest among the groups gnomAD compares: Non-Finnish European, 0.00017%; no homozygotes.

Submission:

Labcorp Genetics (formerly Invitae), Labcorp
Classification: Uncertain significance for Autosomal recessive limb-girdle muscular dystrophy type 2D. Last evaluated: 2021-08-26. Review status: criteria provided, single submitter. Criteria: Invitae Variant Classification Sherloc (09022015). Collection method: clinical testing. Allele origin: germline.
Comment: This sequence change replaces histidine with tyrosine at codon 387 of the SGCA protein (p.His387Tyr). The histidine residue is moderately conserved and there is a moderate physicochemical difference between histidine and tyrosine. This variant is not present in population databases (ExAC no frequency). This variant has not been reported in the literature in individuals affected with SGCA-related conditions. Algorithms developed to predict the effect of missense changes on protein structure and function are either unavailable or do not agree on the potential impact of this missense change (SIFT: "Not Available"; PolyPhen-2: "Benign"; Align-GVGD: "Class C65"). In summary, the available evidence is currently insufficient to determine the role of this variant in disease. Therefore, it has been classified as a Variant of Uncertain Significance.

NM_000023.4(SGCA):c.1159C>T (p.His387Tyr)

Gene: SGCA (sarcoglycan alpha; plus strand). Cytogenetic location: 17q21.33.
Variant type: single nucleotide variant.
Coding change: c.1159C>T on transcript NM_000023.4 (MANE Select); coding-DNA position 1159, C replaced by T.
Protein change: p.His387Tyr; replaces histidine 387 with tyrosine.
Molecular consequence: missense variant. On other transcripts: non-coding transcript variant (1).
Genome position (GRCh38, 1-based): chr17:50,175,432, C>T. VCF-style: chr17-50175432-C-T. GRCh37 (hg19) VCF-style: chr17-48252793-C-T.
Other names: c.787C>T, p.His263Tyr (NM_001135697.3); short protein forms H263Y, H387Y.
Identifiers: ClinVar variation 945405 (VCV000945405.6), dbSNP rs1905861368, ClinGen allele CA400184796.